The following is an entry in ClinVar:

NM_001364171.2(ODAD1):c.414G>A (p.Pro138=)

Gene: ODAD1 (outer dynein arm docking complex subunit 1; minus strand). Cytogenetic location: 19q13.33.
Variant type: single nucleotide variant.
Coding change: c.414G>A on transcript NM_001364171.2 (MANE Select); coding-DNA position 414, G replaced by A.
Protein change: p.Pro138=; no amino-acid change (proline 138 retained).
Molecular consequence: synonymous variant.
Genome position (GRCh38, 1-based): chr19:48,312,063, C>T on the plus strand (G>A on the coding strand, the complement: ODAD1 is on the minus strand). VCF-style: chr19-48312063-C-T. GRCh37 (hg19) VCF-style: chr19-48815320-C-T.
Other names: c.303G>A, p.Pro101= (NM_144577.4).
Identifiers: ClinVar variation 696643 (VCV000696643.39), dbSNP rs372358888, ClinGen allele CA9549051.

ClinVar aggregate classification (germline): Likely benign. Review status: criteria provided, multiple submitters, no conflicts (2 of 4 stars). 5 submissions from 5 submitters: Likely benign (5). Last evaluated 2026-02-01.

Conditions:
Primary ciliary dyskinesia. Also called: Ciliary dyskinesia. Identifiers: Orphanet 244, MedGen C0008780, MONDO:0016575, HP:0012265.

Allele frequency attached by ClinVar (database versions not stated): 1000 Genomes Project 30x 0.00016; 1000 Genomes Project 0.00020; gnomAD 0.00023 and 0.00024; gnomAD exomes 0.00024 and 0.00029; TOPMed 0.00026; ExAC 0.00045; ESP Exome Variant Server 0.00066.
gnomAD v4.1: 452 of 1,549,606 alleles (0.029%); highest among the groups gnomAD compares: Non-Finnish European, 0.035%; no homozygotes.

Submissions (5):

Labcorp Genetics (formerly Invitae), Labcorp
Classification: Likely benign for Primary ciliary dyskinesia. Last evaluated: 2026-02-01. Review status: criteria provided, single submitter. Criteria: Invitae Variant Classification Sherloc (09022015). Collection method: clinical testing. Allele origin: germline.

Blueprint Genetics
Classification: Likely benign. Last evaluated: 2024-11-21. Review status: criteria provided, single submitter. Criteria: ACMG Guidelines, 2015. Collection method: clinical testing. Allele origin: germline.

CeGaT Center for Human Genetics Tuebingen
Classification: Likely benign. Last evaluated: 2023-11-01. Review status: criteria provided, single submitter. Criteria: CeGaT Center For Human Genetics Tuebingen Variant Classification Criteria Version 2. Collection method: clinical testing. Allele origin: germline. Affected: yes. Observed: 2 variant alleles.
Comment: ODAD1: BP4, BP7

Ambry Genetics
Classification: Likely benign for Primary ciliary dyskinesia. Last evaluated: 2016-10-28. Review status: criteria provided, single submitter. Criteria: Ambry Variant Classification Scheme 2023. Collection method: clinical testing. Allele origin: germline.

Breakthrough Genomics
Classification: Likely benign. Review status: criteria provided, single submitter. Criteria: ACMG Guidelines, 2015. Collection method: not provided. Allele origin: germline. Inheritance: Autosomal recessive inheritance. Affected: yes.